The following is an entry in ClinVar:

NM_025137.4(SPG11):c.3815T>G (p.Met1272Arg)

Gene: SPG11 (SPG11 vesicle trafficking associated, spatacsin; minus strand). Cytogenetic location: 15q21.1.
Variant type: single nucleotide variant.
Coding change: c.3815T>G on transcript NM_025137.4 (MANE Select); coding-DNA position 3815, T replaced by G.
Protein change: p.Met1272Arg; replaces methionine 1272 with arginine.
Molecular consequence: missense variant.
Genome position (GRCh38, 1-based): chr15:44,598,708, A>C on the plus strand (T>G on the coding strand, the complement: SPG11 is on the minus strand). VCF-style: chr15-44598708-A-C. GRCh37 (hg19) VCF-style: chr15-44890906-A-C.
Other names: c.3815T>G, p.Met1272Arg (NM_001160227.2, NM_001411132.1); short protein forms M1272R.
Identifiers: ClinVar variation 4810117 (VCV004810117.1).

ClinVar aggregate classification (germline): Uncertain significance (1 of 4 stars; one submission).

Conditions:
Hereditary spastic paraplegia 11. Also called: Spastic paraplegia, mental retardation and thin corpus callosum; Spastic Paraplegia 11; Nakamura Osame syndrome; Autosomal recessive hereditary spastic paraplegia, mental impairment, and thin corpus callosum; SPASTIC PARAPLEGIA, AUTOSOMAL RECESSIVE, COMPLICATED, WITH THIN CORPUS CALLOSUM; SPASTIC PARAPLEGIA, AUTOSOMAL RECESSIVE, WITH MENTAL IMPAIRMENT AND THIN CORPUS CALLOSUM. Identifiers: Orphanet 2822, MedGen C1858479, MONDO:0011445, OMIM 604360.

Submission:

Labcorp Genetics (formerly Invitae), Labcorp
Classification: Uncertain significance for Hereditary spastic paraplegia 11. Last evaluated: 2025-05-19. Review status: criteria provided, single submitter. Criteria: Invitae Variant Classification Sherloc (09022015). Collection method: clinical testing. Allele origin: germline.
Comment: This sequence change replaces methionine, which is neutral and non-polar, with arginine, which is basic and polar, at codon 1272 of the SPG11 protein (p.Met1272Arg). This variant is not present in population databases (gnomAD no frequency). This variant has not been reported in the literature in individuals affected with SPG11-related conditions. Invitae Evidence Modeling of protein sequence and biophysical properties (such as structural, functional, and spatial information, amino acid conservation, physicochemical variation, residue mobility, and thermodynamic stability) indicates that this missense variant is not expected to disrupt SPG11 protein function with a negative predictive value of 80%. In summary, the available evidence is currently insufficient to determine the role of this variant in disease. Therefore, it has been classified as a Variant of Uncertain Significance.